The following is an entry in ClinVar:

ClinVar aggregate classification (germline): Pathogenic. Review status: reviewed by expert panel (3 of 4 stars). 6 submissions from 6 submitters: Pathogenic (1). 5 of the submissions do not count toward it. Last evaluated 2024-04-06.

Conditions:
Hyperinsulinism due to HNF4A deficiency. Also called: Congenital hyperinsulinism due to HNF4A deficiency. Identifiers: Orphanet 263455, MedGen C4274078, MONDO:0016988.
Monogenic diabetes. Identifiers: Orphanet 183625, MedGen C3888631, MONDO:0015967.
Type 2 diabetes mellitus. Also called: Type II diabetes mellitus. Identifiers: MedGen C0011860, MeSH D003924, MONDO:0005148, OMIM 125853, HP:0005978.
Maturity-onset diabetes of the young type 1. Also called: MODY, type I; MILD JUVENILE DIABETES MELLITUS; MODY type 1; Diabetes mellitus MODY type 1; MODY HNF4A related; HNF4A-Related Maturity-Onset Diabetes of the Young Type 1. Identifiers: Orphanet 552, MedGen C1852093, MONDO:0007452, OMIM 125850. Disease mechanism: loss of function.
Fanconi renotubular syndrome 4 with maturity-onset diabetes of the young (FRTS4). Also called: FRTS4 WITH MODY. Identifiers: Orphanet 93111, MedGen C4014962, MONDO:0014458, OMIM 616026.

Submissions (6):

ClinGen Monogenic Diabetes Variant Curation Expert Panel
Classification: Pathogenic for Monogenic diabetes. Last evaluated: 2024-04-06. Review status: reviewed by expert panel. Criteria: ClinGen Diabetes ACMG Specifications HNF4A V2.0.0. Collection method: curation. Allele origin: germline. Inheritance: Autosomal dominant inheritance.
Comment: The c.956_958dup variant in the hepatocyte-nuclear factor 4-alpha gene, HNF4A, is a 3 base pair insertion resulting in the in-frame addition of 1 amino acid at codon 319 (p.(Leu_319_Pro320insLeu)) within exon 8 of NM_175914.5. This variant is located within the ligand-binding domain (codons 180-220 and 300-350) of HNF4A, which is defined as critical for the protein’s function by the ClinGen MDEP (PM1_Supporting). This variant is absent from gnomAD v2.1.1 (PM2_Supporting). This variant was identified in 8 unrelated individuals with non-autoimmune and non-absolute/near-absolute insulin-deficient diabetes (PS4; PMID: 15830177, internal lab contributors). One of these individuals had a clinical history highly specific for HNF4A-MODY (MODY probability calculator result >50%, family member with diazoxide-responsive neonatal hyperinsulinism) (PP4; internal lab contributors). This variant segregated with diabetes, with 6 informative meioses in 4 families (PP1_Strong; PMID: 15830177, internal lab contributors). While the c.956_958dup variant is predicted to change the length of the protein due to an in-frame insertion of a single amino acid, it is in a repeat region where the reference sequence contains a tract of 5 leucines and there is a relatively common 4 leucine variant (c.956_958del p.Leu319del, Popmax filtering allele frequency = 0.00011), and PM4 was not applied. In summary, c.956_958dup meets the criteria to be classified as Pathogenic for monogenic diabetes. ACMG/AMP criteria applied, as specified by the ClinGen MDEP (specification version 2.0.0, approved 10/11/2023): PP1_Strong, PS4, PP4, PM1_Supporting, PM2_Supporting.

ARUP Laboratories, Molecular Genetics and Genomics, ARUP Laboratories
Classification: Uncertain significance. Last evaluated: 2023-12-28. Review status: criteria provided, single submitter. Criteria: ARUP Molecular Germline Variant Investigation Process 2024. Collection method: clinical testing. Allele origin: germline. Not counted in ClinVar's aggregate classification.
Comment: The HNF4A c.956_958dup; p.Leu319dup variant (rs776489992) is reported in the literature in individuals affected with MODY (Pearson 2005, Yorifuji 2023). This variant is also reported in ClinVar (Variation ID: 435439). This variant is absent from the Genome Aggregation Database (v2.1.1), indicating it is not a common polymorphism. This variant duplicates a single leucine residue leaving the rest of the protein in-frame. However, given the lack of clinical and functional data, the significance of this variant is uncertain at this time. References: Pearson ER et al. Molecular genetics and phenotypic characteristics of MODY caused by hepatocyte nuclear factor 4alpha mutations in a large European collection. Diabetologia. 2005 May;48(5):878-85. PMID: 15830177. Yorifuji T et al. Targeted gene panel analysis of Japanese patients with maturity-onset diabetes of the young-like diabetes mellitus: Roles of inactivating variants in the ABCC8 and insulin resistance genes. J Diabetes Investig. 2023 Mar;14(3):387-403. PMID: 36504295.

Fulgent Genetics
Classification: Likely pathogenic for Maturity-onset diabetes of the young type 1; Type 2 diabetes mellitus; Fanconi renotubular syndrome 4 with maturity-onset diabetes of the young. Last evaluated: 2022-05-14. Review status: criteria provided, single submitter. Criteria: ACMG Guidelines, 2015. Collection method: clinical testing. Allele origin: unknown. Not counted in ClinVar's aggregate classification.

Institute of Medical Genetics and Applied Genomics, University Hospital Tübingen
Classification: Likely pathogenic. Last evaluated: 2020-10-23. Review status: criteria provided, single submitter. Criteria: ACMG Guidelines, 2015. Collection method: clinical testing. Allele origin: germline. Inheritance: Autosomal dominant inheritance. Affected: yes. Not counted in ClinVar's aggregate classification.

Genetic Services Laboratory, University of Chicago
Classification: Likely pathogenic for Hyperinsulinism due to HNF4A deficiency. Last evaluated: 2015-12-18. Review status: criteria provided, single submitter. Criteria: ACMG Guidelines, 2015. Collection method: clinical testing. Allele origin: germline. Affected: yes. Not counted in ClinVar's aggregate classification.

Cardiovascular Genetics Laboratory, PathWest Laboratory Medicine WA - Fiona Stanley Hospital
Classification: Uncertain significance for Maturity-onset diabetes of the young type 1. Last evaluated: 2023-09-11. Review status: no assertion criteria provided. Criteria: ACMG Guidelines, 2015. Collection method: clinical testing. Allele origin: germline. Not counted in ClinVar's aggregate classification.

NM_175914.5(HNF4A):c.944TGC[6] (p.Leu319dup)

Gene: HNF4A (hepatocyte nuclear factor 4 alpha; plus strand). Cytogenetic location: 20q13.12.
Variant type: Microsatellite.
Coding change: c.944TGC[6] on transcript NM_175914.5 (MANE Select); six copies in a row of the 3-base unit TGC starting at c.944; the reference has five copies in a row; one copy, 3 bases duplicated; also written c.956_958dup.
Protein change: p.Leu319dup; duplicates leucine 319.
Molecular consequence: inframe insertion.
Genome position (GRCh38, 1-based): chr20:44,424,147-44,424,149, TGC duplicated; duplicating any 3 consecutive bases within chr20:44,424,133-44,424,149 gives the same sequence; the position shown is the placement nearest the transcript's 3' end. VCF-style (leftmost placement, unchanged base first): chr20-44424132-A-AGCT. GRCh37 (hg19) VCF-style: chr20-43052772-A-AGCT.
Other names: NM_001287183.1(HNF4A):c.935_937TGC[6]; p.Leu316dup; c.1010TGC[6], p.Leu341dup (NM_000457.6, NM_178849.3, NM_178850.3); c.944TGC[6], p.Leu319dup (NM_001030003.3, NM_001030004.3); c.989TGC[6], p.Leu334dup (NM_001258355.2); c.935TGC[6], p.Leu316dup (NM_001287182.2, NM_001287183.2, NM_001287184.2); c.956_958dupTGC (NM_175914.5); c.956_958dup (NM_175914.4).
Identifiers: ClinVar variation 435439 (VCV000435439.12), dbSNP rs776489992, ClinGen allele CA645373277.